The following is an entry in ClinVar:

NM_000138.5(FBN1):c.5816G>A (p.Gly1939Glu)

Gene: FBN1 (fibrillin 1; minus strand). Cytogenetic location: 15q21.1.
Variant type: single nucleotide variant.
Coding change: c.5816G>A on transcript NM_000138.5 (MANE Select); coding-DNA position 5816, G replaced by A.
Protein change: p.Gly1939Glu; replaces glycine 1939 with glutamic acid.
Molecular consequence: missense variant.
Genome position (GRCh38, 1-based): chr15:48,445,477, C>T on the plus strand (G>A on the coding strand, the complement: FBN1 is on the minus strand). VCF-style: chr15-48445477-C-T. GRCh37 (hg19) VCF-style: chr15-48737674-C-T.
Other names: c.5816G>A, p.Gly1939Glu (NM_001406716.1); short protein forms G1939E.
Identifiers: ClinVar variation 3073267 (VCV003073267.1), dbSNP rs752367915, ClinGen allele CA055723.

ClinVar aggregate classification (germline): Uncertain significance (1 of 4 stars; one submission).

Conditions:
Marfan syndrome (MFS). Also called: MARFAN SYNDROME, TYPE I; Marfan syndrome type 1; Marfan's syndrome; Marfan syndrome, classic; FBN1-Related Marfan Syndrome. Identifiers: Orphanet 284963, Orphanet 558, MedGen C0024796, MONDO:0007947, OMIM 154700.

Allele frequency attached by ClinVar (database versions not stated): gnomAD exomes 0.00001; ExAC 0.00002.
gnomAD v4.1: 7 of 1,612,732 alleles (0.00043%); highest among the groups gnomAD compares: Middle Eastern, 0.017%; no homozygotes.

Submission:

All of Us Research Program, National Institutes of Health
Classification: Uncertain significance for Marfan syndrome. Last evaluated: 2023-08-28. Review status: criteria provided, single submitter. Criteria: ACMG Guidelines, 2015. Collection method: clinical testing. Allele origin: germline. Inheritance: Autosomal dominant inheritance. Observed: 1 variant allele, 1 heterozygote.
Comment: This missense variant replaces glycine with glutamic acid at codon 1939 of the FBN1 protein. Computational prediction is inconclusive regarding the impact of this variant on protein structure and function (internally defined REVEL score threshold 0.5 < inconclusive < 0.7, PMID: 27666373). To our knowledge, functional studies have not been reported for this variant. This variant has been reported in an individual suspected of having Marfan syndrome (PMID: 17627385). This variant has been identified in 2/250834 chromosomes in the general population by the Genome Aggregation Database (gnomAD). The available evidence is insufficient to determine the role of this variant in disease conclusively. Therefore, this variant is classified as a Variant of Uncertain Significance.

This study involves interpretation of variants in research participants for the purpose of population health screening. Participant phenotype was not available at the time of variant classification. Additional details can be found in publication PMID: 35346344, PMCID: PMC8962531

Literature cited by the submitters: PubMed 17627385.